The following is an entry in ClinVar:

NM_005732.4(RAD50):c.3005G>C (p.Arg1002Thr)

Gene: RAD50 (RAD50 double strand break repair protein; plus strand). Cytogenetic location: 5q31.1.
Variant type: single nucleotide variant.
Coding change: c.3005G>C on transcript NM_005732.4 (MANE Select); coding-DNA position 3005, G replaced by C.
Protein change: p.Arg1002Thr; replaces arginine 1002 with threonine.
Molecular consequence: missense variant.
Genome position (GRCh38, 1-based): chr5:132,609,365, G>C. VCF-style: chr5-132609365-G-C. GRCh37 (hg19) VCF-style: chr5-131945057-G-C.
Other names: short protein forms R1002T.
Identifiers: ClinVar variation 4678057 (VCV004678057.1).

ClinVar aggregate classification (germline): Uncertain significance (1 of 4 stars; one submission).

Conditions:
Hereditary cancer-predisposing syndrome. Also called: Neoplastic Syndromes, Hereditary; Tumor predisposition; Hereditary Cancer Syndrome; Hereditary neoplastic syndrome. Identifiers: Orphanet 140162, MedGen C0027672, MeSH D009386, MONDO:0015356.

Submission:

Ambry Genetics
Classification: Uncertain significance for Hereditary cancer-predisposing syndrome. Last evaluated: 2025-11-08. Review status: criteria provided, single submitter. Criteria: Ambry Variant Classification Scheme 2023. Collection method: clinical testing. Allele origin: germline.
Comment: The p.R1002T variant (also known as c.3005G>C), located in coding exon 19 of the RAD50 gene, results from a G to C substitution at nucleotide position 3005. The arginine at codon 1002 is replaced by threonine, an amino acid with similar properties. This amino acid position is conserved. In addition, this alteration is predicted to be tolerated by in silico analysis. Based on the available evidence, the clinical significance of this variant remains unclear.